The following is an entry in ClinVar:

ClinVar aggregate classification (germline): Pathogenic. Review status: criteria provided, single submitter (1 of 4 stars). 2 submissions from 2 submitters: Pathogenic (1). 1 of the submissions does not count toward it. Last evaluated 2022-02-02.

Conditions:
Glycine encephalopathy. Also called: Nonketotic hyperglycinemia; Non-ketotic hyperglycinemia. Identifiers: Orphanet 407, MedGen C0751748, MONDO:0011612, HP:0008288.

Submissions (2):

Labcorp Genetics (formerly Invitae), Labcorp
Classification: Pathogenic for Glycine encephalopathy. Last evaluated: 2022-02-02. Review status: criteria provided, single submitter. Criteria: Invitae Variant Classification Sherloc (09022015). Collection method: clinical testing. Allele origin: germline.
Comment: For these reasons, this variant has been classified as Pathogenic. This variant disrupts the p.Leu82 amino acid residue in GLDC. Other variant(s) that disrupt this residue have been determined to be pathogenic (PMID: 26179960; Invitae). This suggests that this residue is clinically significant, and that variants that disrupt this residue are likely to be disease-causing. Experimental studies have shown that this missense change affects GLDC function (PMID: 15192636). Advanced modeling of protein sequence and biophysical properties (such as structural, functional, and spatial information, amino acid conservation, physicochemical variation, residue mobility, and thermodynamic stability) performed at Invitae indicates that this missense variant is expected to disrupt GLDC protein function. ClinVar contains an entry for this variant (Variation ID: 56078). This missense change has been observed in individual(s) with glycine encephalopathy (PMID: 15192636). This variant is not present in population databases (gnomAD no frequency). This sequence change replaces leucine, which is neutral and non-polar, with tryptophan, which is neutral and slightly polar, at codon 82 of the GLDC protein (p.Leu82Trp).

Juha Muilu Group; Institute for Molecular Medicine Finland (FIMM)
Classification: Likely pathogenic for Non-ketotic hyperglycinemia. Review status: no assertion criteria provided. Collection method: not provided. Allele origin: unknown. Not counted in ClinVar's aggregate classification.
Comment: FinDis database variant: This variant was not found or characterized by our laboratory, data were collected from public sources: see reference
ClinVar note: Converted during submission from probable-pathogenic to Likely pathogenic.

Literature cited by the submitters: PubMed 26179960 (cited by Labcorp Genetics (formerly Invitae), Labcorp); PubMed 15192636 (cited by Labcorp Genetics (formerly Invitae), Labcorp).

NM_000170.3(GLDC):c.245T>G (p.Leu82Trp)

Gene: GLDC (glycine decarboxylase; minus strand). Cytogenetic location: 9p24.1.
Variant type: single nucleotide variant.
Coding change: c.245T>G on transcript NM_000170.3 (MANE Select); coding-DNA position 245, T replaced by G.
Protein change: p.Leu82Trp; replaces leucine 82 with tryptophan.
Molecular consequence: missense variant.
Genome position (GRCh38, 1-based): chr9:6,645,255, A>C on the plus strand (T>G on the coding strand, the complement: GLDC is on the minus strand). VCF-style: chr9-6645255-A-C. GRCh37 (hg19) VCF-style: chr9-6645255-A-C.
Other names: short protein forms L82W.
Identifiers: ClinVar variation 56078 (VCV000056078.7), dbSNP rs386833559, ClinGen allele CA263373.